The following is an entry in ClinVar:

ClinVar aggregate classification (germline): Uncertain significance (1 of 4 stars; one submission).

Conditions:
Dyskeratosis congenita. Identifiers: Orphanet 1775, MedGen C0265965, MONDO:0015780.

Submission:

Ambry Genetics
Classification: Uncertain significance for Dyskeratosis congenita. Last evaluated: 2024-01-19. Review status: criteria provided, single submitter. Criteria: Ambry Variant Classification Scheme 2023. Collection method: clinical testing. Allele origin: germline.
Comment: The p.R315G variant (also known as c.943C>G), located in coding exon 2 of the TERT gene, results from a C to G substitution at nucleotide position 943. The arginine at codon 315 is replaced by glycine, an amino acid with dissimilar properties. This amino acid position is conserved. In addition, this alteration is predicted to be tolerated by in silico analysis. Based on the available evidence, the clinical significance of this alteration remains unclear.

NM_198253.3(TERT):c.943C>G (p.Arg315Gly)

Gene: TERT (telomerase reverse transcriptase; minus strand). Cytogenetic location: 5p15.33.
Variant type: single nucleotide variant.
Coding change: c.943C>G on transcript NM_198253.3 (MANE Select); coding-DNA position 943, C replaced by G.
Protein change: p.Arg315Gly; replaces arginine 315 with glycine.
Molecular consequence: missense variant. On other transcripts: non-coding transcript variant (2).
Genome position (GRCh38, 1-based): chr5:1,293,943, G>C on the plus strand (C>G on the coding strand, the complement: TERT is on the minus strand). VCF-style: chr5-1293943-G-C. GRCh37 (hg19) VCF-style: chr5-1294058-G-C.
Other names: c.943C>G, p.Arg315Gly (NM_001193376.3, NM_003219.1); short protein forms R315G.
Identifiers: ClinVar variation 3238495 (VCV003238495.1), dbSNP rs1554042911.